The following is an entry in ClinVar:

NM_001371623.1(TCOF1):c.1993G>C (p.Ala665Pro)

Gene: TCOF1 (treacle ribosome biogenesis factor 1; plus strand). Cytogenetic location: 5q32.
Variant type: single nucleotide variant.
Coding change: c.1993G>C on transcript NM_001371623.1 (MANE Select); coding-DNA position 1993, G replaced by C.
Protein change: p.Ala665Pro; replaces alanine 665 with proline.
Molecular consequence: missense variant.
Genome position (GRCh38, 1-based): chr5:150,376,181, G>C. VCF-style: chr5-150376181-G-C. GRCh37 (hg19) VCF-style: chr5-149755744-G-C.
Other names: c.1762G>C, p.Ala588Pro (NM_000356.4, NM_001135245.2); c.1993G>C, p.Ala665Pro (NM_001008657.3, NM_001135243.2, NM_001135244.2 and 1 more transcripts); short protein forms A588P, A665P.
Identifiers: ClinVar variation 130566 (VCV000130566.20), dbSNP rs2071240, ClinGen allele CA155667.
Genomic context (GRCh38, chr5:150,376,181, plus strand): 5'-CCAAAGAAAACCAATACCACTGCATCTGCCAAGGTCGCCCCTGTGCGAGTGGGCACCCAA[G>C]CCCCCCGGAAAGCAGGAACTGCGACTTCTCCAGCAGGCTCATCCCCAGCTGTGGCTGGGG-3'
Protein context (NP_001358552.1, residues 655-675): KVAPVRVGTQ[Ala665Pro]PRKAGTATSP

ClinVar aggregate classification (germline): Benign. Review status: criteria provided, multiple submitters, no conflicts (2 of 4 stars). 7 submissions from 7 submitters: Benign (4). 3 of the submissions do not count toward it. Last evaluated 2026-02-01.

Conditions:
Treacher Collins syndrome 1 (TCS1). Also called: TCOF1-Related Treacher Collins Syndrome. Identifiers: Orphanet 861, MedGen CN315775, MONDO:0007944, OMIM 154500.

Allele frequency attached by ClinVar (database versions not stated): TOPMed 0.05683; 1000 Genomes Project 30x 0.05778; ESP Exome Variant Server 0.05791; 1000 Genomes Project 0.06050.
gnomAD v4.1: 122,536 of 1,614,178 alleles (7.6%); highest among the groups gnomAD compares: South Asian, 9.2%; 5,149 homozygotes.

Submissions (7):

Labcorp Genetics (formerly Invitae), Labcorp
Classification: Benign for Treacher Collins syndrome 1. Last evaluated: 2026-02-01. Review status: criteria provided, single submitter. Criteria: Invitae Variant Classification Sherloc (09022015). Collection method: clinical testing. Allele origin: germline.

Mayo Clinic Laboratories, Mayo Clinic
Classification: Benign. Last evaluated: 2022-05-09. Review status: criteria provided, single submitter. Criteria: ACMG Guidelines, 2015. Collection method: clinical testing. Allele origin: germline. Observed: 17 variant alleles.

GeneDx
Classification: Benign. Last evaluated: 2015-03-03. Review status: criteria provided, single submitter. Criteria: GeneDx Variant Classification Process June 2021. Collection method: clinical testing. Allele origin: germline. Affected: yes.

PreventionGenetics, part of Exact Sciences
Classification: Benign. Review status: criteria provided, single submitter. Criteria: ACMG Guidelines, 2015. Collection method: clinical testing. Allele origin: germline.

Genetic Services Laboratory, University of Chicago
Classification: Likely benign for AllHighlyPenetrant. Review status: no assertion criteria provided. Collection method: clinical testing. Allele origin: germline. Inheritance: Autosomal dominant inheritance. Not counted in ClinVar's aggregate classification.
Comment: Likely benign based on allele frequency in 1000 Genomes Project or ESP global frequency and its presence in a patient with a rare or unrelated disease phenotype. NOT Sanger confirmed.

Genome Diagnostics Laboratory, University Medical Center Utrecht
Classification: Likely benign. Review status: no assertion criteria provided. Collection method: clinical testing. Allele origin: germline. Affected: yes. Study: VKGL Data-share Consensus. Not counted in ClinVar's aggregate classification.

Joint Genome Diagnostic Labs from Nijmegen and Maastricht, Radboudumc and MUMC+
Classification: Benign. Review status: no assertion criteria provided. Collection method: clinical testing. Allele origin: germline. Affected: yes. Study: VKGL Data-share Consensus. Not counted in ClinVar's aggregate classification.